The following is an entry in ClinVar:

NC_000001.10:g.(?_161326457)_(161332308_?)del

Gene: SDHC (succinate dehydrogenase complex subunit C; plus strand). Cytogenetic location: 1q23.3.
Variant type: Deletion.
Identifiers: ClinVar variation 1076622 (VCV001076622.17).

ClinVar aggregate classification (germline): Pathogenic (1 of 4 stars; one submission).

Conditions:
Pheochromocytoma/paraganglioma syndrome 3. Also called: Paragangliomas 3; SDHC-Related Hereditary Paraganglioma-Pheochromocytoma Syndrome (Paragangliomas 3); SDHC-Related Hereditary Paraganglioma-Pheochromocytoma Syndrome; GLOMUS TUMORS, FAMILIAL, 3. Identifiers: Orphanet 29072, MedGen C1854336, MONDO:0011544, OMIM 605373.
Gastrointestinal stromal tumor. Also called: Gastrointestinal stroma tumor; Gastrointestinal stromal tumor, somatic. Identifiers: Orphanet 44890, MedGen C0238198, MeSH D046152, MONDO:0011719, OMIM 606764, HP:0100723.

Submission:

Labcorp Genetics (formerly Invitae), Labcorp
Classification: Pathogenic for Pheochromocytoma/paraganglioma syndrome 3; Gastrointestinal stromal tumor. Last evaluated: 2022-11-15. Review status: criteria provided, single submitter. Criteria: Invitae Variant Classification Sherloc (09022015). Collection method: clinical testing. Allele origin: germline.
Comment: For these reasons, this variant has been classified as Pathogenic. The region of the SDHC gene that includes exon(s) 6 has been determined to be clinically significant (PMID: 15342702). Therefore, deletions that encompass that region are likely to be disease-causing. A similar copy number variant has been observed in individual(s) with paraganglioma and pheochromocytoma (PGL/PCC) syndrome (PMID: 19546167, 27485256). This variant is a gross deletion of the genomic region encompassing exon(s) 5-6 of the SDHC gene, which includes the termination codon. This deletion extends beyond the assayed region for this gene and therefore may encompass additional genes. While this deletion is not anticipated to lead to nonsense mediated decay, it is expected to alter mRNA translation or result in a truncated protein product.

Literature cited by the submitters: PubMed 15342702; PubMed 19546167; PubMed 27485256.